The following is an entry in ClinVar:

ClinVar aggregate classification (germline): Uncertain significance (1 of 4 stars; one submission).

Conditions:
LEPR-related disorder. Also called: LEPR-related disorders; LEPR-related condition.

Submission:

PreventionGenetics, part of Exact Sciences
Classification: Uncertain significance for LEPR-related condition. Last evaluated: 2025-01-18. Review status: criteria provided, single submitter. Criteria: ACMG Guidelines, 2015. Collection method: clinical testing. Allele origin: germline.
Comment: The LEPR c.3319C>G variant is predicted to result in the amino acid substitution p.Pro1107Ala. To our knowledge, this variant has not been reported in the literature or in a large population database (gnomAD), indicating this variant is rare. At this time, the clinical significance of this variant is uncertain due to the absence of conclusive functional and genetic evidence.

NM_002303.6(LEPR):c.3319C>G (p.Pro1107Ala)

Gene: LEPR (leptin receptor; plus strand). Cytogenetic location: 1p31.3.
Variant type: single nucleotide variant.
Coding change: c.3319C>G on transcript NM_002303.6 (MANE Select); coding-DNA position 3319, C replaced by G.
Protein change: p.Pro1107Ala; replaces proline 1107 with alanine.
Molecular consequence: missense variant.
Genome position (GRCh38, 1-based): chr1:65,636,836, C>G. VCF-style: chr1-65636836-C-G. GRCh37 (hg19) VCF-style: chr1-66102519-C-G.
Other names: short protein forms P1107A.
Identifiers: ClinVar variation 4986921 (VCV004986921.1).